The following is an entry in ClinVar:

NC_000023.11:g.71141232GCAGCAGCAACAGCAACAGCAGCAGCAGCA[3]

Gene: MED12 (mediator complex subunit 12; plus strand). Cytogenetic location: Xq13.1.
Variant type: Microsatellite.
Genome position: GRCh38 VCF-style: chrX-71141227-T-TAGCAGCAGCAGCAACAGCAACAGCAGCAGC. GRCh37 (hg19) VCF-style: chrX-70361077-T-TAGCAGCAGCAGCAACAGCAACAGCAGCAGC.
Identifiers: ClinVar variation 1347073 (VCV001347073.6), dbSNP rs773480549, ClinGen allele CA2580612350.

ClinVar aggregate classification (germline): Uncertain significance (1 of 4 stars; one submission).

Conditions:
FG syndrome (FGS). Identifiers: MedGen C0220769, MONDO:0002010.

Submission:

Labcorp Genetics (formerly Invitae), Labcorp
Classification: Uncertain significance for FG syndrome. Last evaluated: 2021-10-13. Review status: criteria provided, single submitter. Criteria: Invitae Variant Classification Sherloc (09022015). Collection method: clinical testing. Allele origin: germline.
Comment: This variant, c.6300_6329dup, results in the insertion of 10 amino acid(s) to the MED12 protein (p.Gln2106_Gln2115dup), but otherwise preserves the integrity of the reading frame. This variant is not present in population databases (ExAC no frequency). This variant has not been reported in the literature in individuals affected with MED12-related conditions. Experimental studies and prediction algorithms are not available or were not evaluated, and the functional significance of this variant is currently unknown. In summary, the available evidence is currently insufficient to determine the role of this variant in disease. Therefore, it has been classified as a Variant of Uncertain Significance.